The following is an entry in ClinVar:

NM_000255.4(MMUT):c.1130C>A (p.Ala377Glu)

Gene: MMUT (methylmalonyl-CoA mutase; minus strand). Cytogenetic location: 6p12.3.
Variant type: single nucleotide variant.
Coding change: c.1130C>A on transcript NM_000255.4 (MANE Select); coding-DNA position 1130, C replaced by A.
Protein change: p.Ala377Glu; replaces alanine 377 with glutamic acid.
Molecular consequence: missense variant.
Genome position (GRCh38, 1-based): chr6:49,451,668, G>T on the plus strand (C>A on the coding strand, the complement: MMUT is on the minus strand). VCF-style: chr6-49451668-G-T. GRCh37 (hg19) VCF-style: chr6-49419381-G-T.
Other names: A378E; c.1130C>A (NM_000255.3); short protein forms A377E.
Identifiers: ClinVar variation 1879 (VCV000001879.8), dbSNP rs121918250, ClinGen allele CA115263.

ClinVar aggregate classification (germline): Likely pathogenic. Review status: criteria provided, multiple submitters, no conflicts (2 of 4 stars). 3 submissions from 3 submitters: Likely pathogenic (2). 1 of the submissions does not count toward it. Last evaluated 2025-05-27.

Conditions:
Methylmalonic aciduria due to complete methylmalonyl-CoA mutase deficiency.
METHYLMALONIC ACIDURIA, mut(0) TYPE. Identifiers: MedGen C1855115, OMIM 251000.

Allele frequency attached by ClinVar (database versions not stated): gnomAD 0.00001; TOPMed 0.00002.
gnomAD v4.1: 2 of 1,613,832 alleles (0.00012%); highest among the groups gnomAD compares: African/African-American, 0.0027%; no homozygotes.

Submissions (3):

Natera, Inc.
Classification: Likely pathogenic for Methylmalonic aciduria due to complete methylmalonyl-CoA mutase deficiency. Last evaluated: 2025-05-27. Review status: criteria provided, single submitter. Criteria: Natera Variant Classification Schema (03/2026). Collection method: clinical testing. Allele origin: germline.
Comment: The c.1130C>A variant in MMUT is a missense variant predicted to cause substitution of alanine to glutamic acid at amino acid 377. This variant is rare in the general population with a frequency below the threshold expected for the associated phenotype(s). This variant has been observed in one or more individuals affected with the associated recessive disease, as either homozygous or compound heterozygous with a second variant (PMID: 27167370, 1977311). Functional studies show that this variant may disrupt protein function (PMID: 27167370). Computational prediction algorithms indicate this variant is likely to affect gene or protein function. Given the available evidence, this variant is classified as Likely Pathogenic.

Labcorp Genetics (formerly Invitae), Labcorp
Classification: Likely pathogenic. Last evaluated: 2022-02-14. Review status: criteria provided, single submitter. Criteria: Invitae Variant Classification Sherloc (09022015). Collection method: clinical testing. Allele origin: germline.
Comment: This sequence change replaces alanine, which is neutral and non-polar, with glutamic acid, which is acidic and polar, at codon 377 of the MUT protein (p.Ala377Glu). This variant is not present in population databases (gnomAD no frequency). This missense change has been observed in individual(s) with methylmalonic acidemia (PMID: 1977311, 27167370). This variant is also known as Ala378Glu. ClinVar contains an entry for this variant (Variation ID: 1879). Algorithms developed to predict the effect of missense changes on protein structure and function are either unavailable or do not agree on the potential impact of this missense change (SIFT: "Deleterious"; PolyPhen-2: "Probably Damaging"; Align-GVGD: "Class C0"). Experimental studies have shown that this missense change affects MUT function (PMID: 1977311, 7912889). In summary, the currently available evidence indicates that the variant is pathogenic, but additional data are needed to prove that conclusively. Therefore, this variant has been classified as Likely Pathogenic.

OMIM
Classification: Pathogenic for METHYLMALONIC ACIDURIA, mut(0) TYPE. Last evaluated: 1990-11-01. Review status: no assertion criteria provided. Collection method: literature only. Allele origin: germline. Not counted in ClinVar's aggregate classification.

Literature cited by the submitters: PubMed 27167370 (cited by Natera, Inc. and Labcorp Genetics (formerly Invitae), Labcorp); PubMed 1977311 (cited by 3 submitters); PubMed 7912889 (cited by Labcorp Genetics (formerly Invitae), Labcorp).